The following is an entry in ClinVar:

ClinVar aggregate classification (germline): Benign (0 of 4 stars; one submission).

Conditions:
LRP1B-related disorder. Also called: LRP1B-related condition.

Allele frequency attached by ClinVar (database versions not stated): 1000 Genomes Project 30x 0.02077; 1000 Genomes Project 0.02157; TOPMed 0.03285; ESP Exome Variant Server 0.03563; gnomAD 0.04022; gnomAD exomes 0.04164; ExAC 0.04221.
gnomAD v4.1: 66,767 of 1,607,556 alleles (4.2%); highest among the groups gnomAD compares: Non-Finnish European, 4.3%; 1,636 homozygotes.

Submission:

PreventionGenetics, part of Exact Sciences
Classification: Benign for LRP1B-related condition. Last evaluated: 2019-02-28. Review status: no assertion criteria provided. Collection method: clinical testing. Allele origin: germline.
Comment: This variant is classified as benign based on ACMG/AMP sequence variant interpretation guidelines (Richards et al. 2015 PMID: 25741868, with internal and published modifications).

NM_018557.3(LRP1B):c.9225A>G (p.Leu3075=)

Gene: LRP1B (LDL receptor related protein 1B; minus strand). Cytogenetic location: 2q22.1.
Variant type: single nucleotide variant.
Coding change: c.9225A>G on transcript NM_018557.3 (MANE Select); coding-DNA position 9225, A replaced by G.
Protein change: p.Leu3075=; no amino-acid change (leucine 3075 retained).
Molecular consequence: synonymous variant.
Genome position (GRCh38, 1-based): chr2:140,487,635, T>C on the plus strand (A>G on the coding strand, the complement: LRP1B is on the minus strand). VCF-style: chr2-140487635-T-C. GRCh37 (hg19) VCF-style: chr2-141245204-T-C.
Identifiers: ClinVar variation 3057183 (VCV003057183.2), dbSNP rs74789055, ClinGen allele CA1893714.